The following is an entry in ClinVar:

NM_021076.4(NEFH):c.876G>A (p.Trp292Ter)

Gene: NEFH (neurofilament heavy chain; plus strand). Cytogenetic location: 22q12.2.
Variant type: single nucleotide variant.
Coding change: c.876G>A on transcript NM_021076.4 (MANE Select); coding-DNA position 876, G replaced by A.
Protein change: p.Trp292Ter; replaces tryptophan 292 with a stop codon.
Molecular consequence: nonsense.
Genome position (GRCh38, 1-based): chr22:29,481,138, G>A. VCF-style: chr22-29481138-G-A. GRCh37 (hg19) VCF-style: chr22-29877127-G-A.
Other names: short protein forms W292*.
Identifiers: ClinVar variation 1417135 (VCV001417135.6), dbSNP rs1296342371, ClinGen allele CA411124294.
Genomic context (GRCh38, chr22:29,481,138, plus strand): 5'-CGAGATTCGCGCGCAGCTTGAAGGCCACGCGGTGCAGAGCACGCTGCAGTCCGAGGAGTG[G>A]TTCCGAGGTACGCAGGCGCGCGGGTGGGGGGAGGGGCGCCCCTGCTGACCCCGCAGCGAA-3'

ClinVar aggregate classification (germline): Uncertain significance (1 of 4 stars; one submission).

Allele frequency attached by ClinVar (database versions not stated): gnomAD exomes below 0.00001.
gnomAD v4.1: 1 of 1,531,946 alleles (0.000065%); highest among the groups gnomAD compares: Non-Finnish European, 0.000087%; no homozygotes.

Submission:

Labcorp Genetics (formerly Invitae), Labcorp
Classification: Uncertain significance. Last evaluated: 2021-03-26. Review status: criteria provided, single submitter. Criteria: Invitae Variant Classification Sherloc (09022015). Collection method: clinical testing. Allele origin: germline.
Comment: In summary, the available evidence is currently insufficient to determine the role of this variant in disease. Therefore, it has been classified as a Variant of Uncertain Significance. This variant has not been reported in the literature in individuals with NEFH-related conditions. The frequency data for this variant in the population databases is considered unreliable, as metrics indicate insufficient coverage at this position in the ExAC database. This sequence change creates a premature translational stop signal (p.Trp292*) in the NEFH gene. It is expected to result in an absent or disrupted protein product. However, the current clinical and genetic evidence is not sufficient to establish whether loss-of-function variants in NEFH cause disease.